The following is an entry in ClinVar:

NC_000002.12:g.(?_112021422)_(112021581_?)del

Gene: MERTK (MER proto-oncogene, tyrosine kinase; plus strand). Cytogenetic location: 2q13.
Variant type: Deletion.
Identifiers: ClinVar variation 830608 (VCV000830608.1).

ClinVar aggregate classification (germline): Pathogenic (1 of 4 stars; one submission).

Submission:

Labcorp Genetics (formerly Invitae), Labcorp
Classification: Pathogenic. Last evaluated: 2019-12-29. Review status: criteria provided, single submitter. Criteria: Invitae Variant Classification Sherloc (09022015). Collection method: clinical testing. Allele origin: germline.
Comment: This variant is an out-of-frame deletion of the genomic region encompassing exon 17 of the MERTK gene. This is expected to create a premature translational stop signal and result in an absent or disrupted protein product. This variant has not been reported in the literature in individuals with MERTK-related conditions. Loss-of-function variants in MERTK are known to be pathogenic (PMID: 11592982, 19956407, 24265693, 26263531, 29659094). For these reasons, this variant has been classified as Pathogenic.